The following is an entry in ClinVar:

ClinVar aggregate classification (germline): Conflicting classifications of pathogenicity. Review status: criteria provided, conflicting classifications (1 of 4 stars). 7 submissions from 7 submitters: Uncertain significance (1); Benign (1); Likely benign (5). Last evaluated 2025-08-13.

Conditions:
Lynch syndrome 5 (LYNCH5). Also called: Colorectal cancer, hereditary nonpolyposis, type 5; Hereditary non-polyposis colorectal cancer, type 5. Identifiers: Orphanet 144, MedGen C1833477, MONDO:0013710, OMIM 614350. Disease mechanism: loss of function.
Hereditary nonpolyposis colorectal neoplasms. Identifiers: MedGen C0009405, MeSH D003123.
Hereditary cancer-predisposing syndrome. Also called: Neoplastic Syndromes, Hereditary; Tumor predisposition; Hereditary Cancer Syndrome; Hereditary neoplastic syndrome. Identifiers: Orphanet 140162, MedGen C0027672, MeSH D009386, MONDO:0015356.

Allele frequency attached by ClinVar (database versions not stated): TOPMed below 0.00001; gnomAD exomes 0.00001; ExAC 0.00002.
gnomAD v4.1: 12 of 1,581,454 alleles (0.00076%); highest among the groups gnomAD compares: Non-Finnish European, 0.001%; no homozygotes.

Submissions (7):

Labcorp Genetics (formerly Invitae), Labcorp
Classification: Likely benign for Hereditary nonpolyposis colorectal neoplasms. Last evaluated: 2025-08-13. Review status: criteria provided, single submitter. Criteria: Invitae Variant Classification Sherloc (09022015). Collection method: clinical testing. Allele origin: germline.

Myriad Genetics, Inc.
Classification: Benign for Lynch syndrome 5. Last evaluated: 2025-01-02. Review status: criteria provided, single submitter. Criteria: Myriad Autosomal Dominant, Autosomal Recessive and X-Linked Classification Criteria (2023). Collection method: clinical testing. Allele origin: unknown.
Comment: This variant is considered benign. This variant is a silent/synonymous amino acid change and it is not expected to impact splicing.

Quest Diagnostics Nichols Institute San Juan Capistrano
Classification: Uncertain significance. Last evaluated: 2024-02-29. Review status: criteria provided, single submitter. Criteria: Quest Diagnostics criteria. Collection method: clinical testing. Allele origin: unknown.
Comment: The MSH6 c.2934G>A (p.Gln978=) synonymous variant has not been reported in individuals with MSH6-related conditions in the published literature. The frequency of this variant in the general population, 0.000028 (3/105328 chromosomes (Genome Aggregation Database)), is uninformative in the assessment of its pathogenicity. Analysis of this variant using software algorithms for the prediction of the effect of nucleotide changes on splicing yielded predictions that this variant does not affect MSH6 mRNA splicing. Based on the available information, we are unable to determine the clinical significance of this variant.

Genetic Services Laboratory, University of Chicago
Classification: Likely benign. Last evaluated: 2021-08-20. Review status: criteria provided, single submitter. Criteria: ACMG Guidelines, 2015. Collection method: clinical testing. Allele origin: germline. Affected: no.

Women's Health and Genetics/Laboratory Corporation of America, LabCorp
Classification: Likely benign. Last evaluated: 2019-08-29. Review status: criteria provided, single submitter. Criteria: LabCorp Variant Classification Summary - May 2015. Collection method: clinical testing. Allele origin: germline.

Color Diagnostics, LLC DBA Color Health
Classification: Likely benign for Hereditary cancer-predisposing syndrome. Last evaluated: 2018-04-02. Review status: criteria provided, single submitter. Criteria: ACMG Guidelines, 2015. Collection method: clinical testing. Allele origin: germline.

Ambry Genetics
Classification: Likely benign for Hereditary cancer-predisposing syndrome. Last evaluated: 2015-03-11. Review status: criteria provided, single submitter. Criteria: Ambry Variant Classification Scheme 2023. Collection method: clinical testing. Allele origin: germline.

NM_000179.3(MSH6):c.2934G>A (p.Gln978=)

Gene: MSH6 (mutS homolog 6; plus strand). Cytogenetic location: 2p16.3.
Variant type: single nucleotide variant.
Coding change: c.2934G>A on transcript NM_000179.3 (MANE Select); coding-DNA position 2934, G replaced by A.
Protein change: p.Gln978=; no amino-acid change (glutamine 978 retained).
Molecular consequence: synonymous variant.
Genome position (GRCh38, 1-based): chr2:47,800,917, G>A. VCF-style: chr2-47800917-G-A. GRCh37 (hg19) VCF-style: chr2-48028056-G-A.
Other names: c.2544G>A, p.Gln848= (NM_001281492.2); c.2028G>A, p.Gln676= (NM_001281493.2, NM_001281494.2).
Identifiers: ClinVar variation 233844 (VCV000233844.25), dbSNP rs751780309, ClinGen allele CA069835.